The following is an entry in ClinVar:

ClinVar aggregate classification (germline): Uncertain significance (1 of 4 stars; one submission).

Conditions:
Anauxetic dysplasia. Identifiers: Orphanet 93347, MedGen C1846796, MONDO:0011773.

Allele frequency attached by ClinVar (database versions not stated): gnomAD 0.00001.
gnomAD v4.1: 1 of 692,448 alleles (0.00014%); highest among the groups gnomAD compares: Non-Finnish European, 0.00026%; no homozygotes.

Submission:

Labcorp Genetics (formerly Invitae), Labcorp
Classification: Uncertain significance for Anauxetic dysplasia. Last evaluated: 2022-07-21. Review status: criteria provided, single submitter. Criteria: Invitae Variant Classification Sherloc (09022015). Collection method: clinical testing. Allele origin: germline.
Comment: This variant occurs in the RMRP gene, which encodes an RNA molecule that does not result in a protein product. This variant is not present in population databases (gnomAD no frequency). This variant has not been reported in the literature in individuals affected with RMRP-related conditions. Experimental studies and prediction algorithms are not available or were not evaluated, and the functional significance of this variant is currently unknown. In summary, the available evidence is currently insufficient to determine the role of this variant in disease. Therefore, it has been classified as a Variant of Uncertain Significance.

NC_000009.12:g.35658008C>T

Gene: RMRP (RNA component of mitochondrial RNA processing endoribonuclease; minus strand). Cytogenetic location: 9p13.3.
Variant type: single nucleotide variant.
Genome position: GRCh38 VCF-style: chr9-35658008-C-T. GRCh37 (hg19) VCF-style: chr9-35658005-C-T.
Identifiers: ClinVar variation 2135659 (VCV002135659.1), dbSNP rs1466108662, ClinGen allele CA464451075.